The following is an entry in ClinVar:

NM_080680.3(COL11A2):c.3274C>T (p.Pro1092Ser)

Gene: COL11A2 (collagen type XI alpha 2 chain; minus strand). Cytogenetic location: 6p21.32.
Variant type: single nucleotide variant.
Coding change: c.3274C>T on transcript NM_080680.3 (MANE Select); coding-DNA position 3274, C replaced by T.
Protein change: p.Pro1092Ser; replaces proline 1092 with serine.
Molecular consequence: missense variant.
Genome position (GRCh38, 1-based): chr6:33,171,309, G>A on the plus strand (C>T on the coding strand, the complement: COL11A2 is on the minus strand). VCF-style: chr6-33171309-G-A. GRCh37 (hg19) VCF-style: chr6-33139086-G-A.
Other names: c.2953C>T, p.Pro985Ser (NM_080679.3); c.3016C>T, p.Pro1006Ser (NM_080681.3); short protein forms P1092S, P1006S, P985S.
Identifiers: ClinVar variation 2116547 (VCV002116547.4), dbSNP rs2534819050, ClinGen allele CA363635437.

ClinVar aggregate classification (germline): Uncertain significance (1 of 4 stars; one submission).

Submission:

Labcorp Genetics (formerly Invitae), Labcorp
Classification: Uncertain significance. Last evaluated: 2022-03-24. Review status: criteria provided, single submitter. Criteria: Invitae Variant Classification Sherloc (09022015). Collection method: clinical testing. Allele origin: germline.
Comment: In summary, the available evidence is currently insufficient to determine the role of this variant in disease. Therefore, it has been classified as a Variant of Uncertain Significance. Advanced modeling of protein sequence and biophysical properties (such as structural, functional, and spatial information, amino acid conservation, physicochemical variation, residue mobility, and thermodynamic stability) performed at Invitae indicates that this missense variant is not expected to disrupt COL11A2 protein function. This variant has not been reported in the literature in individuals affected with COL11A2-related conditions. This variant is not present in population databases (gnomAD no frequency). This sequence change replaces proline, which is neutral and non-polar, with serine, which is neutral and polar, at codon 1092 of the COL11A2 protein (p.Pro1092Ser).